The following is an entry in ClinVar:

ClinVar aggregate classification (germline): Uncertain significance (1 of 4 stars; one submission).

Conditions:
Emery-Dreifuss muscular dystrophy 5, autosomal dominant (EDMD5). Also called: EMERY-DREIFUSS MUSCULAR DYSTROPHY 5. Identifiers: Orphanet 261, MedGen C2751805, MONDO:0013072, OMIM 612999.

Allele frequency attached by ClinVar (database versions not stated): gnomAD exomes below 0.00001.
gnomAD v4.1: 1 of 1,609,774 alleles (0.000062%); highest among the groups gnomAD compares: Admixed American, 0.0017%; no homozygotes.

Submission:

Labcorp Genetics (formerly Invitae), Labcorp
Classification: Uncertain significance for Emery-Dreifuss muscular dystrophy 5, autosomal dominant. Last evaluated: 2021-10-12. Review status: criteria provided, single submitter. Criteria: Invitae Variant Classification Sherloc (09022015). Collection method: clinical testing. Allele origin: germline.
Comment: In summary, the available evidence is currently insufficient to determine the role of this variant in disease. Therefore, it has been classified as a Variant of Uncertain Significance. Algorithms developed to predict the effect of missense changes on protein structure and function output the following: SIFT: "Tolerated"; PolyPhen-2: "Benign"; Align-GVGD: "Class C0". The aspartic acid amino acid residue is found in multiple mammalian species, which suggests that this missense change does not adversely affect protein function. This variant has not been reported in the literature in individuals affected with SYNE2-related conditions. This variant is not present in population databases (ExAC no frequency). This sequence change replaces glutamic acid with aspartic acid at codon 694 of the SYNE2 protein (p.Glu694Asp). The glutamic acid residue is weakly conserved and there is a small physicochemical difference between glutamic acid and aspartic acid.

NM_182914.3(SYNE2):c.2082G>T (p.Glu694Asp)

Gene: SYNE2 (spectrin repeat containing nuclear envelope protein 2; plus strand). Cytogenetic location: 14q23.2.
Variant type: single nucleotide variant.
Coding change: c.2082G>T on transcript NM_182914.3 (MANE Select); coding-DNA position 2082, G replaced by T.
Protein change: p.Glu694Asp; replaces glutamic acid 694 with aspartic acid.
Molecular consequence: missense variant.
Genome position (GRCh38, 1-based): chr14:63,983,817, G>T. VCF-style: chr14-63983817-G-T. GRCh37 (hg19) VCF-style: chr14-64450535-G-T.
Other names: c.2082G>T, p.Glu694Asp (NM_015180.6); short protein forms E694D.
Identifiers: ClinVar variation 1524722 (VCV001524722.6), dbSNP rs2096604651, ClinGen allele CA389965299.